The following is an entry in ClinVar:

ClinVar aggregate classification (germline): Conflicting classifications of pathogenicity. Review status: criteria provided, conflicting classifications (1 of 4 stars). 2 submissions from 2 submitters: Uncertain significance (1); Likely benign (1). Last evaluated 2026-02-06.

Conditions:
Mitochondrial complex II deficiency, nuclear type 1. Also called: SUCCINATE CoQ REDUCTASE DEFICIENCY. Identifiers: Orphanet 3208, MedGen C5700310, MONDO:0100294, OMIM 252011.
Pheochromocytoma/paraganglioma syndrome 5. Also called: Paragangliomas 5; SDHA-Related Hereditary Paraganglioma-Pheochromocytoma Syndrome. Identifiers: Orphanet 29072, MedGen C3279992, MONDO:0013602, OMIM 614165.
Hereditary cancer-predisposing syndrome. Also called: Tumor predisposition; Hereditary neoplastic syndrome; Neoplastic Syndromes, Hereditary; Hereditary Cancer Syndrome. Identifiers: Orphanet 140162, MedGen C0027672, MeSH D009386, MONDO:0015356.

Submissions (2):

Ambry Genetics
Classification: Likely benign for Hereditary cancer-predisposing syndrome. Last evaluated: 2026-02-06. Review status: criteria provided, single submitter. Criteria: Ambry Variant Classification Scheme 2023. Collection method: clinical testing. Allele origin: germline.

Labcorp Genetics (formerly Invitae), Labcorp
Classification: Uncertain significance for Pheochromocytoma/paraganglioma syndrome 5; Mitochondrial complex II deficiency, nuclear type 1. Last evaluated: 2025-01-19. Review status: criteria provided, single submitter. Criteria: Invitae Variant Classification Sherloc (09022015). Collection method: clinical testing. Allele origin: germline.
Comment: This sequence change replaces isoleucine, which is neutral and non-polar, with leucine, which is neutral and non-polar, at codon 239 of the SDHA protein (p.Ile239Leu). This variant is not present in population databases (gnomAD no frequency). This variant has not been reported in the literature in individuals affected with SDHA-related conditions. ClinVar contains an entry for this variant (Variation ID: 1025299). Invitae Evidence Modeling of protein sequence and biophysical properties (such as structural, functional, and spatial information, amino acid conservation, physicochemical variation, residue mobility, and thermodynamic stability) indicates that this missense variant is not expected to disrupt SDHA protein function with a negative predictive value of 95%. In summary, the available evidence is currently insufficient to determine the role of this variant in disease. Therefore, it has been classified as a Variant of Uncertain Significance.

NM_004168.4(SDHA):c.715A>C (p.Ile239Leu)

Gene: SDHA (succinate dehydrogenase complex flavoprotein subunit A; plus strand). Cytogenetic location: 5p15.33.
Variant type: single nucleotide variant.
Coding change: c.715A>C on transcript NM_004168.4 (MANE Select); coding-DNA position 715, A replaced by C.
Protein change: p.Ile239Leu; replaces isoleucine 239 with leucine.
Molecular consequence: missense variant.
Genome position (GRCh38, 1-based): chr5:228,278, A>C. VCF-style: chr5-228278-A-C. GRCh37 (hg19) VCF-style: chr5-228393-A-C.
Other names: c.571A>C, p.Ile191Leu (NM_001294332.2); c.715A>C, p.Ile239Leu (NM_001330758.2); short protein forms I191L, I239L.
Identifiers: ClinVar variation 1025299 (VCV001025299.12), dbSNP rs760106352, ClinGen allele CA359011020.